The following is an entry in ClinVar:

NM_016341.4(PLCE1):c.2521C>G (p.His841Asp)

Gene: PLCE1 (phospholipase C epsilon 1; plus strand). Cytogenetic location: 10q23.33.
Variant type: single nucleotide variant.
Coding change: c.2521C>G on transcript NM_016341.4 (MANE Select); coding-DNA position 2521, C replaced by G.
Protein change: p.His841Asp; replaces histidine 841 with aspartic acid.
Molecular consequence: missense variant.
Genome position (GRCh38, 1-based): chr10:94,246,046, C>G. VCF-style: chr10-94246046-C-G. GRCh37 (hg19) VCF-style: chr10-96005803-C-G.
Other names: c.1597C>G, p.His533Asp (NM_001165979.2); c.2521C>G, p.His841Asp (NM_001288989.2); short protein forms H533D, H841D.
Identifiers: ClinVar variation 4987307 (VCV004987307.1).
Genomic context (GRCh38, chr10:94,246,046, plus strand): 5'-TTTGAGCAATCCAAAGAATACGACTCTCATGGTTCAGAGGACTCACAGAAGGCCTTCGAC[C>G]ATGGGACGGAGCTCATCCCTTGGTACGTGCTGTCCATCCAAGCCGATGTGCACCAGTTCC-3'
Protein context (NP_057425.3, residues 831-851): GSEDSQKAFD[His841Asp]GTELIPWYVL

ClinVar aggregate classification (germline): Uncertain significance (1 of 4 stars; one submission).

Conditions:
PLCE1-related disorder. Also called: PLCE1-related condition.

gnomAD v4.1: 8 of 1,614,112 alleles (0.0005%); highest among the groups gnomAD compares: Non-Finnish European, 0.00068%; no homozygotes.

Submission:

PreventionGenetics, part of Exact Sciences
Classification: Uncertain significance for PLCE1-related condition. Last evaluated: 2025-12-18. Review status: criteria provided, single submitter. Criteria: ACMG Guidelines, 2015. Collection method: clinical testing. Allele origin: germline.
Comment: The PLCE1 c.2521C>G variant is predicted to result in the amino acid substitution p.His841Asp. To our knowledge, this variant has not been reported in the literature. This variant is reported in 0.0018% of alleles in individuals of European (Non-Finnish) descent in gnomAD. At this time, the clinical significance of this variant is uncertain due to the absence of conclusive functional and genetic evidence.